The following is an entry in ClinVar:

ClinVar aggregate classification (germline): Uncertain significance. Review status: criteria provided, multiple submitters, no conflicts (2 of 4 stars). 3 submissions from 3 submitters: Uncertain significance (3). Last evaluated 2025-05-23.

Conditions:
Osteogenesis imperfecta type 7 (OI7). Also called: OI type 7; OI type VII; OSTEOGENESIS IMPERFECTA, TYPE IIB; Osteogenesis imperfecta type 2B; OI type 2B; Osteogenesis imperfecta, perinatal lethal autosomal recessive. Identifiers: MedGen C1853162, MONDO:0012536, OMIM 610682.
Inborn genetic diseases. Identifiers: MedGen C0950123, MeSH D030342.

Allele frequency attached by ClinVar (database versions not stated): gnomAD 0.00001; gnomAD exomes 0.00001; TOPMed 0.00001.
gnomAD v4.1: 7 of 1,526,248 alleles (0.00046%); highest among the groups gnomAD compares: Non-Finnish European, 0.00061%; no homozygotes.

Submissions (3):

Ambry Genetics
Classification: Uncertain significance for Inborn genetic diseases. Last evaluated: 2025-05-23. Review status: criteria provided, single submitter. Criteria: Ambry Variant Classification Scheme 2023. Collection method: clinical testing. Allele origin: germline.

Labcorp Genetics (formerly Invitae), Labcorp
Classification: Uncertain significance for Osteogenesis imperfecta type 7. Last evaluated: 2023-07-06. Review status: criteria provided, single submitter. Criteria: Invitae Variant Classification Sherloc (09022015). Collection method: clinical testing. Allele origin: germline.
Comment: The frequency data for this variant in the population databases is considered unreliable, as metrics indicate poor data quality at this position in the gnomAD database. In summary, the available evidence is currently insufficient to determine the role of this variant in disease. Therefore, it has been classified as a Variant of Uncertain Significance. Advanced modeling of protein sequence and biophysical properties (such as structural, functional, and spatial information, amino acid conservation, physicochemical variation, residue mobility, and thermodynamic stability) performed at Invitae indicates that this missense variant is not expected to disrupt CRTAP protein function. ClinVar contains an entry for this variant (Variation ID: 344805). This variant has not been reported in the literature in individuals affected with CRTAP-related conditions. This sequence change replaces alanine, which is neutral and non-polar, with proline, which is neutral and non-polar, at codon 91 of the CRTAP protein (p.Ala91Pro).

Illumina Laboratory Services, Illumina
Classification: Uncertain significance for Osteogenesis imperfecta type 7. Last evaluated: 2018-01-13. Review status: criteria provided, single submitter. Criteria: ICSL Variant Classification Criteria 13 December 2019. Collection method: clinical testing. Allele origin: germline.

NM_006371.5(CRTAP):c.271G>C (p.Ala91Pro)

Gene: CRTAP (cartilage associated protein; plus strand). Cytogenetic location: 3p22.3.
Variant type: single nucleotide variant.
Coding change: c.271G>C on transcript NM_006371.5 (MANE Select); coding-DNA position 271, G replaced by C.
Protein change: p.Ala91Pro; replaces alanine 91 with proline.
Molecular consequence: missense variant.
Genome position (GRCh38, 1-based): chr3:33,114,348, G>C. VCF-style: chr3-33114348-G-C. GRCh37 (hg19) VCF-style: chr3-33155840-G-C.
Other names: c.271G>C, p.Ala91Pro (NM_001393363.1, NM_001393364.1, NM_001393365.1); short protein forms A91P.
Identifiers: ClinVar variation 344805 (VCV000344805.10), dbSNP rs886058345, ClinGen allele CA10615639.